The following is an entry in ClinVar:

NM_004525.3(LRP2):c.1869C>T (p.Ala623=)

Gene: LRP2 (LDL receptor related protein 2; minus strand). Cytogenetic location: 2q31.1.
Variant type: single nucleotide variant.
Coding change: c.1869C>T on transcript NM_004525.3 (MANE Select); coding-DNA position 1869, C replaced by T.
Protein change: p.Ala623=; no amino-acid change (alanine 623 retained).
Molecular consequence: synonymous variant.
Genome position (GRCh38, 1-based): chr2:169,275,142, G>A on the plus strand (C>T on the coding strand, the complement: LRP2 is on the minus strand). VCF-style: chr2-169275142-G-A. GRCh37 (hg19) VCF-style: chr2-170131652-G-A.
Identifiers: ClinVar variation 728938 (VCV000728938.37), dbSNP rs148468966, ClinGen allele CA1955451.

ClinVar aggregate classification (germline): Benign/Likely benign. Review status: criteria provided, multiple submitters, no conflicts (2 of 4 stars). 5 submissions from 5 submitters: Benign (2); Likely benign (3). Last evaluated 2026-02-01.

Conditions:
Donnai-Barrow syndrome. Also called: DBS/FOAR SYNDROME; FACIOOCULOACOUSTICORENAL SYNDROME. Identifiers: Orphanet 2143, MedGen C1857277, MONDO:0009104, OMIM 222448.

Allele frequency attached by ClinVar (database versions not stated): ESP Exome Variant Server 0.00292; gnomAD exomes 0.00061; ExAC 0.00075; 1000 Genomes Project 0.00180; 1000 Genomes Project 30x 0.00187; gnomAD 0.00274 and 0.00288; TOPMed 0.00287.
gnomAD v4.1: 813 of 1,613,692 alleles (0.05%); highest among the groups gnomAD compares: African/African-American, 0.91%; 3 homozygotes.

Submissions (5):

CeGaT Center for Human Genetics Tuebingen
Classification: Likely benign. Last evaluated: 2026-02-01. Review status: criteria provided, single submitter. Criteria: CeGaT Center For Human Genetics Tuebingen Variant Classification Criteria Version 2. Collection method: clinical testing. Allele origin: germline. Affected: yes. Observed: 2 variant alleles.
Comment: LRP2: BP4, BP7

Labcorp Genetics (formerly Invitae), Labcorp
Classification: Benign. Last evaluated: 2026-02-01. Review status: criteria provided, single submitter. Criteria: Invitae Variant Classification Sherloc (09022015). Collection method: clinical testing. Allele origin: germline.

Blueprint Genetics
Classification: Likely benign. Last evaluated: 2024-09-13. Review status: criteria provided, single submitter. Criteria: ACMG Guidelines, 2015. Collection method: clinical testing. Allele origin: germline.

Fulgent Genetics
Classification: Likely benign for Donnai-Barrow syndrome. Last evaluated: 2021-11-29. Review status: criteria provided, single submitter. Criteria: ACMG Guidelines, 2015. Collection method: clinical testing. Allele origin: unknown.

Breakthrough Genomics
Classification: Benign. Review status: criteria provided, single submitter. Criteria: ACMG Guidelines, 2015. Collection method: not provided. Allele origin: germline. Inheritance: Autosomal recessive inheritance. Affected: yes.